The following is an entry in ClinVar:

NM_000368.5(TSC1):c.818A>G (p.Asp273Gly)

Gene: TSC1 (TSC complex subunit 1; minus strand). Cytogenetic location: 9q34.13.
Variant type: single nucleotide variant.
Coding change: c.818A>G on transcript NM_000368.5 (MANE Select); coding-DNA position 818, A replaced by G.
Protein change: p.Asp273Gly; replaces aspartic acid 273 with glycine.
Molecular consequence: missense variant.
Genome position (GRCh38, 1-based): chr9:132,912,377, T>C on the plus strand (A>G on the coding strand, the complement: TSC1 is on the minus strand). VCF-style: chr9-132912377-T-C. GRCh37 (hg19) VCF-style: chr9-135787764-T-C.
Other names: c.818A>G, p.Asp273Gly (NM_001162426.2); c.665A>G, p.Asp222Gly (NM_001162427.2); c.455A>G, p.Asp152Gly (NM_001362177.2); short protein forms D273G, D222G, D152G.
Identifiers: ClinVar variation 534479 (VCV000534479.9), dbSNP rs768057796, ClinGen allele CA375369397.
Genomic context (GRCh38, chr9:132,912,377, plus strand): 5'-GTGACATCGGCTGAACGATGAGGAAAGCGGGCTGAGATTTGGTGAGACACAGAATAGCCA[T>C]CTTCATATGAGGCTTCTGTGGGATCCAGAGAGATTTTGGCACACTCGATCACAACATCAT-3'
Protein context (NP_000359.1, residues 263-283): SLDPTEASYE[Asp273Gly]GYSVSHQISA

ClinVar aggregate classification (germline): Uncertain significance. Review status: criteria provided, multiple submitters, no conflicts (2 of 4 stars). 2 submissions from 2 submitters: Uncertain significance (2). Last evaluated 2024-06-18.

Conditions:
Hereditary cancer-predisposing syndrome. Also called: Neoplastic Syndromes, Hereditary; Hereditary neoplastic syndrome; Tumor predisposition; Hereditary Cancer Syndrome. Identifiers: Orphanet 140162, MedGen C0027672, MeSH D009386, MONDO:0015356.
Tuberous sclerosis 1 (TSC1). Identifiers: Orphanet 805, MedGen C1854465, MONDO:0008612, OMIM 191100.

Allele frequency attached by ClinVar (database versions not stated): gnomAD exomes below 0.00001; gnomAD 0.00001.
gnomAD v4.1: 3 of 1,614,082 alleles (0.00019%); no homozygotes.

Submissions (2):

Ambry Genetics
Classification: Uncertain significance for Hereditary cancer-predisposing syndrome. Last evaluated: 2024-06-18. Review status: criteria provided, single submitter. Criteria: Ambry Variant Classification Scheme 2023. Collection method: clinical testing. Allele origin: germline.
Comment: The p.D273G variant (also known as c.818A>G), located in coding exon 7 of the TSC1 gene, results from an A to G substitution at nucleotide position 818. The aspartic acid at codon 273 is replaced by glycine, an amino acid with similar properties. This amino acid position is not well conserved in available vertebrate species. In addition, the in silico prediction for this alteration is inconclusive. Based on the available evidence, the clinical significance of this variant remains unclear.

Labcorp Genetics (formerly Invitae), Labcorp
Classification: Uncertain significance for Tuberous sclerosis 1. Last evaluated: 2017-11-21. Review status: criteria provided, single submitter. Criteria: Invitae Variant Classification Sherloc (09022015). Collection method: clinical testing. Allele origin: germline.
Comment: Algorithms developed to predict the effect of missense changes on protein structure and function do not agree on the potential impact of this missense change (SIFT: "Tolerated"; PolyPhen-2: "Probably Damaging"; Align-GVGD: "Class C0"). This variant has not been reported in the literature in individuals with TSC1-related disease. This variant is not present in population databases (ExAC no frequency). This sequence change replaces aspartic acid with glycine at codon 273 of the TSC1 protein (p.Asp273Gly). The aspartic acid residue is moderately conserved and there is a moderate physicochemical difference between aspartic acid and glycine. Algorithms developed to predict the effect of sequence changes on RNA splicing suggest that this variant may create or strengthen a splice site, but this prediction has not been confirmed by published transcriptional studies. In summary, the available evidence is currently insufficient to determine the role of this variant in disease. Therefore, it has been classified as a Variant of Uncertain Significance.